The following is an entry in ClinVar:

NM_000214.3(JAG1):c.3467T>C (p.Val1156Ala)

Gene: JAG1 (jagged canonical Notch ligand 1; minus strand). Cytogenetic location: 20p12.2.
Variant type: single nucleotide variant.
Coding change: c.3467T>C on transcript NM_000214.3 (MANE Select); coding-DNA position 3467, T replaced by C.
Protein change: p.Val1156Ala; replaces valine 1156 with alanine.
Molecular consequence: missense variant.
Genome position (GRCh38, 1-based): chr20:10,639,688, A>G on the plus strand (T>C on the coding strand, the complement: JAG1 is on the minus strand). VCF-style: chr20-10639688-A-G. GRCh37 (hg19) VCF-style: chr20-10620336-A-G.
Other names: c.3467T>C, p.Val1156Ala (LRG_1191t1); short protein forms V1156A.
Identifiers: ClinVar variation 424319 (VCV000424319.53), dbSNP rs143966918, ClinGen allele CA9764206.

ClinVar aggregate classification (germline): Conflicting classifications of pathogenicity. Review status: criteria provided, conflicting classifications (1 of 4 stars). 9 submissions from 9 submitters: Uncertain significance (5); Benign (1); Likely benign (3). Last evaluated 2026-01-04.

Conditions:
Deafness, congenital heart defects, and posterior embryotoxon (DCHE). Identifiers: MedGen C1866053, MONDO:0060713, OMIM 617992.
Alagille syndrome due to a JAG1 point mutation. Also called: Alagille Syndrome 1; HEPATIC DUCTULAR HYPOPLASIA, SYNDROMATIC; JAG1-Related Alagille Syndrome. Identifiers: Orphanet 261619, Orphanet 52, MedGen C1956125, MONDO:0016862, OMIM 118450.
Tetralogy of Fallot (TOF). Identifiers: Orphanet 3303, MedGen C0039685, MONDO:0008542, OMIM 187500, HP:0001636.
Cardiovascular phenotype. Identifiers: MedGen CN230736.
Conotruncal heart malformations (CTHM). Also called: Conotruncal heart malformations, variable. Identifiers: Orphanet 2445, Orphanet 3384, Orphanet 3426, MedGen C1857586, MONDO:0016581, OMIM 217095.

Allele frequency attached by ClinVar (database versions not stated): ExAC 0.00006; gnomAD exomes 0.00008 and 0.00014; TOPMed 0.00010; gnomAD 0.00013 and 0.00014; ESP Exome Variant Server 0.00015.
gnomAD v4.1: 228 of 1,614,056 alleles (0.014%); highest among the groups gnomAD compares: Non-Finnish European, 0.018%; no homozygotes.

Submissions (9):

Labcorp Genetics (formerly Invitae), Labcorp
Classification: Likely benign for Alagille syndrome due to a JAG1 point mutation. Last evaluated: 2026-01-04. Review status: criteria provided, single submitter. Criteria: Invitae Variant Classification Sherloc (09022015). Collection method: clinical testing. Allele origin: germline.

Ambry Genetics
Classification: Benign for Cardiovascular phenotype. Last evaluated: 2025-11-12. Review status: criteria provided, single submitter. Criteria: Ambry Variant Classification Scheme 2023. Collection method: clinical testing. Allele origin: germline.

Department of Human Genetics, Hannover Medical School
Classification: Uncertain significance for Alagille syndrome due to a JAG1 point mutation. Last evaluated: 2025-02-01. Review status: criteria provided, single submitter. Criteria: ACMG Guidelines, 2015. Collection method: curation. Allele origin: germline. Observed: 1 variant allele.
Comment: ACMG: Missense variant in a gene that has a low rate of benign missense variation and in which missense variants are a common mechanism of disease (Missense gnomAD constraint Z-Score JAG1: 5,3) [PP2]

CeGaT Center for Human Genetics Tuebingen
Classification: Likely benign. Last evaluated: 2024-10-01. Review status: criteria provided, single submitter. Criteria: CeGaT Center For Human Genetics Tuebingen Variant Classification Criteria Version 2. Collection method: clinical testing. Allele origin: germline. Affected: yes. Observed: 2 variant alleles.
Comment: JAG1: BS2

Blueprint Genetics
Classification: Likely benign. Last evaluated: 2024-02-22. Review status: criteria provided, single submitter. Criteria: ACMG Guidelines, 2015. Collection method: clinical testing. Allele origin: germline.

Fulgent Genetics
Classification: Uncertain significance for Alagille syndrome due to a JAG1 point mutation; Tetralogy of Fallot; Deafness, congenital heart defects, and posterior embryotoxon. Last evaluated: 2018-10-31. Review status: criteria provided, single submitter. Criteria: ACMG Guidelines, 2015. Collection method: clinical testing. Allele origin: unknown.

Cambridge Genomics Laboratory, East Genomic Laboratory Hub, NHS Genomic Medicine Service
Classification: Uncertain significance for Conotruncal heart malformations. Last evaluated: 2018-09-20. Review status: criteria provided, single submitter. Criteria: ACGS Best Practice Guidelines for Variant Classification in Rare Disease 2020. Collection method: clinical testing. Allele origin: germline. Affected: yes. Observed: 1 variant allele.

Eurofins Ntd Llc (ga)
Classification: Uncertain significance. Last evaluated: 2017-12-12. Review status: criteria provided, single submitter. Criteria: EGL Classification Definitions 2015. Collection method: clinical testing. Allele origin: germline. Observed: 1 variant allele, 1 heterozygote.

GeneDx
Classification: Uncertain significance. Last evaluated: 2017-04-03. Review status: criteria provided, single submitter. Criteria: GeneDx Variant Classification (06012015). Collection method: clinical testing. Allele origin: germline. Affected: yes.
Comment: The V1156A variant in the JAG1 gene has not been reported previously as a pathogenic variant, nor as a benign variant, to our knowledge. The V1156A variant is observed in 1/6614 (0.015%) alleles from individuals of Finnish background in the ExAC dataset (Lek et al., 2016). The V1156A variant is a conservative amino acid substitution, which is not likely to impact secondary protein structure as these residues share similar properties. This substitution occurs at a position where amino acids with similar properties to Valine are tolerated across species. In silico analysis is inconsistent in its predictions as to whether or not the variant is damaging to the protein structure/function. We interpret V1156A as a variant of uncertain significance.